The following is an entry in ClinVar:

NM_025114.4(CEP290):c.3028A>G (p.Ile1010Val)

Gene: CEP290 (centrosomal protein 290; minus strand). Cytogenetic location: 12q21.32.
Variant type: single nucleotide variant.
Coding change: c.3028A>G on transcript NM_025114.4 (MANE Select); coding-DNA position 3028, A replaced by G.
Protein change: p.Ile1010Val; replaces isoleucine 1010 with valine.
Molecular consequence: missense variant.
Genome position (GRCh38, 1-based): chr12:88,096,963, T>C on the plus strand (A>G on the coding strand, the complement: CEP290 is on the minus strand). VCF-style: chr12-88096963-T-C. GRCh37 (hg19) VCF-style: chr12-88490740-T-C.
Other names: short protein forms I1010V.
Identifiers: ClinVar variation 964893 (VCV000964893.6), dbSNP rs1038566350, ClinGen allele CA241171271.
Genomic context (GRCh38, chr12:88,096,963, plus strand): 5'-GTTCCCAGGCTTGTTCAATAGTGTGAAGTTTTTCCTTGGTAATCTCCAGTTCTTTATTTA[T>C]AGACTCCACTTGTTCTTTTAAGGAGATGTTTTCACACTGAATAAAGGAAAAATATCACTA-3'
Protein context (NP_079390.3, residues 1000-1020): NISLKEQVES[Ile1010Val]NKELEITKEK

ClinVar aggregate classification (germline): Uncertain significance. Review status: criteria provided, multiple submitters, no conflicts (2 of 4 stars). 4 submissions from 4 submitters: Uncertain significance (2). 2 of the submissions do not count toward it. Last evaluated 2022-05-27.

Conditions:
Meckel-Gruber syndrome. Also called: Dysencephalia splachnocystica; DYSENCEPHALIA SPLANCHNOCYSTICA; GRUBER SYNDROME. Identifiers: Orphanet 564, MedGen C0265215, MONDO:0018921.
Nephronophthisis. Also called: Juvenile Nephronophthisis. Identifiers: Orphanet 655, MedGen C0687120, MONDO:0019005, HP:0000090.
Joubert syndrome. Also called: Familial aplasia of the vermis; CEREBELLOPARENCHYMAL DISORDER IV; JOUBERT-BOLTSHAUSER SYNDROME. Identifiers: Orphanet 475, MedGen C5979921, MONDO:0018772.
CEP290-related disorder. Also called: CEP290-related condition; CEP290-related disorders. Identifiers: MedGen CN239314.
Joubert syndrome 5 (JBTS5). Identifiers: Orphanet 2318, MedGen C1857780, MONDO:0012432, OMIM 610188.
Leber congenital amaurosis 10 (LCA10). Identifiers: Orphanet 65, MedGen C1857821, MONDO:0012723, OMIM 611755.
Bardet-Biedl syndrome 14 (BBS14). Identifiers: Orphanet 110, MedGen C2673874, MONDO:0014442, OMIM 615991.
Meckel syndrome, type 4 (MKS4). Also called: MECKEL-GRUBER SYNDROME, TYPE 4. Identifiers: Orphanet 564, MedGen C1970161, MONDO:0012626, OMIM 611134.
Senior-Loken syndrome 6 (SLSN6). Identifiers: Orphanet 3156, MedGen C1857779, MONDO:0012433, OMIM 610189.
Leber congenital amaurosis (LCA). Also called: Leber's amaurosis. Identifiers: Orphanet 65, MedGen C0339527, MeSH D057130, MONDO:0018998.

Allele frequency attached by ClinVar (database versions not stated): gnomAD exomes 0.00002 and 0.00004; TOPMed 0.00003; gnomAD 0.00004 and 0.00005.
gnomAD v4.1: 64 of 1,572,432 alleles (0.0041%); highest among the groups gnomAD compares: Non-Finnish European, 0.0053%; no homozygotes.

Submissions (4):

Labcorp Genetics (formerly Invitae), Labcorp
Classification: Uncertain significance for Joubert syndrome; Meckel-Gruber syndrome; Nephronophthisis. Last evaluated: 2022-05-27. Review status: criteria provided, single submitter. Criteria: Invitae Variant Classification Sherloc (09022015). Collection method: clinical testing. Allele origin: germline.
Comment: This sequence change replaces isoleucine, which is neutral and non-polar, with valine, which is neutral and non-polar, at codon 1010 of the CEP290 protein (p.Ile1010Val). This variant is present in population databases (no rsID available, gnomAD 0.004%). This variant has not been reported in the literature in individuals affected with CEP290-related conditions. ClinVar contains an entry for this variant (Variation ID: 964893). Algorithms developed to predict the effect of missense changes on protein structure and function output the following: SIFT: "Tolerated"; PolyPhen-2: "Benign"; Align-GVGD: "Class C0". The valine amino acid residue is found in multiple mammalian species, which suggests that this missense change does not adversely affect protein function. In summary, the available evidence is currently insufficient to determine the role of this variant in disease. Therefore, it has been classified as a Variant of Uncertain Significance.

Fulgent Genetics
Classification: Uncertain significance for Joubert syndrome 5; Senior-Loken syndrome 6; Meckel syndrome, type 4; Leber congenital amaurosis 10; Bardet-Biedl syndrome 14. Last evaluated: 2022-05-22. Review status: criteria provided, single submitter. Criteria: ACMG Guidelines, 2015. Collection method: clinical testing. Allele origin: unknown.

PreventionGenetics, part of Exact Sciences
Classification: Uncertain significance for CEP290-related condition. Last evaluated: 2024-02-16. Review status: no assertion criteria provided. Collection method: clinical testing. Allele origin: germline. Not counted in ClinVar's aggregate classification.
Comment: The CEP290 c.3028A>G variant is predicted to result in the amino acid substitution p.Ile1010Val. To our knowledge, this variant has not been reported in the literature. This variant is reported in 0.0062% of alleles in individuals of European (Non-Finnish) descent in gnomAD. At this time, the clinical significance of this variant is uncertain due to the absence of conclusive functional and genetic evidence.

Natera, Inc.
Classification: Uncertain significance for Leber congenital amaurosis. Last evaluated: 2020-02-13. Review status: no assertion criteria provided. Collection method: clinical testing. Allele origin: germline. Not counted in ClinVar's aggregate classification.